The following is an entry in ClinVar:

ClinVar aggregate classification (germline): Uncertain significance (1 of 4 stars; one submission).

Submission:

GeneDx
Classification: Uncertain significance. Last evaluated: 2023-06-08. Review status: criteria provided, single submitter. Criteria: GeneDx Variant Classification Process June 2021. Collection method: clinical testing. Allele origin: germline. Affected: yes.
Comment: Not observed at significant frequency in large population cohorts (gnomAD); In silico analysis supports that this missense variant has a deleterious effect on protein structure/function; Has not been previously published as pathogenic or benign to our knowledge

NM_198503.5(KCNT2):c.2267T>G (p.Leu756Trp)

Gene: KCNT2 (potassium sodium-activated channel subfamily T member 2; minus strand). Cytogenetic location: 1q31.3.
Variant type: single nucleotide variant.
Coding change: c.2267T>G on transcript NM_198503.5 (MANE Select); coding-DNA position 2267, T replaced by G.
Protein change: p.Leu756Trp; replaces leucine 756 with tryptophan.
Molecular consequence: missense variant. On other transcripts: non-coding transcript variant (2).
Genome position (GRCh38, 1-based): chr1:196,326,726, A>C on the plus strand (T>G on the coding strand, the complement: KCNT2 is on the minus strand). VCF-style: chr1-196326726-A-C. GRCh37 (hg19) VCF-style: chr1-196295856-A-C.
Other names: c.2267T>G, p.Leu756Trp (NM_001287819.3); c.2117T>G, p.Leu706Trp (NM_001287820.3); short protein forms L706W, L756W.
Identifiers: ClinVar variation 3359536 (VCV003359536.1).